The following is an entry in ClinVar:

NM_000525.4(KCNJ11):c.36C>A (p.Tyr12Ter)

Gene: KCNJ11 (potassium inwardly rectifying channel subfamily J member 11; minus strand). Cytogenetic location: 11p15.1.
Variant type: single nucleotide variant.
Coding change: c.36C>A on transcript NM_000525.4 (MANE Select); coding-DNA position 36, C replaced by A.
Protein change: p.Tyr12Ter; replaces tyrosine 12 with a stop codon.
Molecular consequence: nonsense. On other transcripts: 5 prime UTR variant (1), intron variant (2).
Genome position (GRCh38, 1-based): chr11:17,388,056, G>T on the plus strand (C>A on the coding strand, the complement: KCNJ11 is on the minus strand). VCF-style: chr11-17388056-G-T. GRCh37 (hg19) VCF-style: chr11-17409603-G-T.
Other names: c.-55C>A (NM_001377296.1); c.-16-210C>A (NM_001166290.2, NM_001377297.1); short protein forms Y12*.
Identifiers: ClinVar variation 8673 (VCV000008673.10), dbSNP rs104894236, ClinGen allele CA254517.

ClinVar aggregate classification (germline): Conflicting classifications of pathogenicity. Review status: criteria provided, conflicting classifications (1 of 4 stars). 3 submissions from 3 submitters: Pathogenic (1); Uncertain significance (1). 1 of the submissions does not count toward it. Last evaluated 2021-03-23.

Conditions:
Maturity-onset diabetes of the young (MODY). Also called: Maturity onset diabetes mellitus in young. Identifiers: Orphanet 552, MedGen C0342276, MONDO:0018911, HP:0004904.
Hyperinsulinemic hypoglycemia, familial, 2. Also called: HYPERINSULINEMIC HYPOGLYCEMIA, PERSISTENT; HYPERINSULINISM, NEONATAL. Identifiers: Orphanet 276580, Orphanet 276603, MedGen C2931833, MONDO:0011153, OMIM 601820. Disease mechanism: loss of function.

Submissions (3):

Labcorp Genetics (formerly Invitae), Labcorp
Classification: Pathogenic. Last evaluated: 2021-03-23. Review status: criteria provided, single submitter. Criteria: Invitae Variant Classification Sherloc (09022015). Collection method: clinical testing. Allele origin: germline.
Comment: For these reasons, this variant has been classified as Pathogenic. This sequence change creates a premature translational stop signal (p.Tyr12*) in the KCNJ11 gene. While this is not anticipated to result in nonsense mediated decay, it is expected to disrupt the last 379 amino acid(s) of the KCNJ11 protein. This variant is not present in population databases (ExAC no frequency). This variant has been observed in individual(s) with congenital hyperinsulinism (PMID: 9356020). ClinVar contains an entry for this variant (Variation ID: 8673). Experimental studies have shown that this variant affects KCNJ11 protein function (PMID: 9356020, 20694718).

Clinical Genomics, Uppaluri K&H Personalized Medicine Clinic
Classification: Uncertain significance for Maturity-onset diabetes of the young. Review status: criteria provided, single submitter. Criteria: K & H Uppaluri Personalized Medicine Clinic Variant Classification & Assertion Criteria_Updated V.1. Collection method: research. Allele origin: somatic. Inheritance: Autosomal dominant inheritance.
Comment: Mutations in KCNJ11 gene can cause decreased production and secretion of insulin. This can lead to MODY which is responsive to oral sulfonylureas. However, No sufficient evidence is found to ascertain the role of this particular variant (rs104894236) in MODY.

OMIM
Classification: Pathogenic for HYPERINSULINEMIC HYPOGLYCEMIA, FAMILIAL, 2. Last evaluated: 1997-11-01. Review status: no assertion criteria provided. Collection method: literature only. Allele origin: germline. Not counted in ClinVar's aggregate classification.

Literature cited by the submitters: PubMed 9356020 (cited by Labcorp Genetics (formerly Invitae), Labcorp and OMIM); PubMed 20694718 (cited by Labcorp Genetics (formerly Invitae), Labcorp); PubMed 30873120 (cited by Clinical Genomics, Uppaluri K&H Personalized Medicine Clinic).